The following is an entry in ClinVar:

NM_007194.4(CHEK2):c.410G>C (p.Arg137Pro)

Gene: CHEK2 (checkpoint kinase 2; minus strand). Cytogenetic location: 22q12.1.
Variant type: single nucleotide variant.
Coding change: c.410G>C on transcript NM_007194.4 (MANE Select); coding-DNA position 410, G replaced by C.
Protein change: p.Arg137Pro; replaces arginine 137 with proline.
Molecular consequence: missense variant.
Genome position (GRCh38, 1-based): chr22:28,725,277, C>G on the plus strand (G>C on the coding strand, the complement: CHEK2 is on the minus strand). VCF-style: chr22-28725277-C-G. GRCh37 (hg19) VCF-style: chr22-29121265-C-G.
Other names: c.410G>C, p.Arg137Pro (NM_001349956.3, NM_145862.3); c.539G>C, p.Arg180Pro (NM_001005735.3); c.-368G>C (NM_001257387.3); short protein forms R137P, R180P.
Identifiers: ClinVar variation 2034355 (VCV002034355.4), dbSNP rs368570187, ClinGen allele CA411107976.

ClinVar aggregate classification (germline): Uncertain significance (1 of 4 stars; one submission).

Conditions:
Familial cancer of breast. Also called: BREAST CANCER, FAMILIAL; Hereditary breast cancer; hereditary breast carcinoma. Identifiers: Orphanet 227535, MedGen C0346153, MONDO:0016419, OMIM 114480. Disease mechanism: loss of function.

Submission:

Labcorp Genetics (formerly Invitae), Labcorp
Classification: Uncertain significance for Familial cancer of breast. Last evaluated: 2023-05-08. Review status: criteria provided, single submitter. Criteria: Invitae Variant Classification Sherloc (09022015). Collection method: clinical testing. Allele origin: germline.
Comment: This sequence change replaces arginine, which is basic and polar, with proline, which is neutral and non-polar, at codon 137 of the CHEK2 protein (p.Arg137Pro). This variant is not present in population databases (gnomAD no frequency). This variant has not been reported in the literature in individuals affected with CHEK2-related conditions. ClinVar contains an entry for this variant (Variation ID: 2034355). An algorithm developed to predict the effect of missense changes on protein structure and function (PolyPhen-2) suggests that this variant is likely to be tolerated. In summary, the available evidence is currently insufficient to determine the role of this variant in disease. Therefore, it has been classified as a Variant of Uncertain Significance.